The following is an entry in ClinVar:

ClinVar aggregate classification (germline): Likely benign. Review status: criteria provided, single submitter (1 of 4 stars). 2 submissions from 2 submitters: Likely benign (1). 1 of the submissions does not count toward it. Last evaluated 2024-11-15.

Conditions:
CELSR1-related disorder. Also called: CELSR1-related condition.

Allele frequency attached by ClinVar (database versions not stated): gnomAD exomes 0.00018; ExAC 0.00041; 1000 Genomes Project 0.00100; ESP Exome Variant Server 0.00139; gnomAD 0.00139; 1000 Genomes Project 30x 0.00172; TOPMed 0.00184.
gnomAD v4.1: 487 of 1,609,828 alleles (0.03%); highest among the groups gnomAD compares: African/African-American, 0.48%; no homozygotes.

Submissions (2):

Blueprint Genetics
Classification: Likely benign. Last evaluated: 2024-11-15. Review status: criteria provided, single submitter. Criteria: ACMG Guidelines, 2015. Collection method: clinical testing. Allele origin: germline.

PreventionGenetics, part of Exact Sciences
Classification: Likely benign for CELSR1-related condition. Last evaluated: 2023-12-05. Review status: no assertion criteria provided. Collection method: clinical testing. Allele origin: germline. Not counted in ClinVar's aggregate classification.
Comment: This variant is classified as likely benign based on ACMG/AMP sequence variant interpretation guidelines (Richards et al. 2015 PMID: 25741868, with internal and published modifications).

NM_001378328.1(CELSR1):c.2016C>T (p.Ser672=)

Gene: CELSR1 (cadherin EGF LAG seven-pass G-type receptor 1; minus strand). Cytogenetic location: 22q13.31.
Variant type: single nucleotide variant.
Coding change: c.2016C>T on transcript NM_001378328.1 (MANE Select); coding-DNA position 2016, C replaced by T.
Protein change: p.Ser672=; no amino-acid change (serine 672 retained).
Molecular consequence: synonymous variant.
Genome position (GRCh38, 1-based): chr22:46,535,155, G>A on the plus strand (C>T on the coding strand, the complement: CELSR1 is on the minus strand). VCF-style: chr22-46535155-G-A. GRCh37 (hg19) VCF-style: chr22-46931052-G-A.
Other names: c.2016C>T, p.Ser672= (NM_014246.4).
Identifiers: ClinVar variation 3033098 (VCV003033098.3), dbSNP rs10428011, ClinGen allele CA10295351.